The following is an entry in ClinVar:

ClinVar aggregate classification (germline): Likely benign. Review status: reviewed by expert panel (3 of 4 stars). 5 submissions from 5 submitters: Likely benign (1). 4 of the submissions do not count toward it. Last evaluated 2017-06-29.

Conditions:
Hereditary breast ovarian cancer syndrome. Also called: Hereditary breast and ovarian cancer syndrome; Hereditary breast and ovarian cancer syndrome (HBOC); BRCA1- and BRCA2-Associated Hereditary Breast and Ovarian Cancer; Breast and ovarian cancer; Hereditary breast and ovarian cancer; Hereditary breast and/or ovarian cancer syndrome. Identifiers: Orphanet 145, MedGen C0677776, MeSH D061325, MONDO:0003582. Disease mechanism: loss of function.
Breast-ovarian cancer, familial, susceptibility to, 1 (BROVCA1). Also called: OVARIAN CANCER, SUSCEPTIBILITY TO; BRCA1 Hereditary Breast and Ovarian Cancer. Identifiers: Orphanet 145, MedGen C2676676, MONDO:0011450, OMIM 604370. Disease mechanism: loss of function.
Hereditary cancer-predisposing syndrome. Also called: Hereditary Cancer Syndrome; Hereditary neoplastic syndrome; Tumor predisposition; Neoplastic Syndromes, Hereditary. Identifiers: Orphanet 140162, MedGen C0027672, MeSH D009386, MONDO:0015356.

Allele frequency attached by ClinVar (database versions not stated): gnomAD exomes below 0.00001.
gnomAD v4.1: 1 of 1,614,190 alleles (0.000062%); highest among the groups gnomAD compares: Non-Finnish European, 0.000085%; no homozygotes.

Submissions (5):

Evidence-based Network for the Interpretation of Germline Mutant Alleles (ENIGMA)
Classification: Likely benign for Breast-ovarian cancer, familial, susceptibility to, 1. Last evaluated: 2017-06-29. Review status: reviewed by expert panel. Criteria: ENIGMA BRCA1/2 Classification Criteria (2017-06-29). Collection method: curation. Allele origin: germline.
Comment: Synonymous substitution variant, with low bioinformatic likelihood to result in a splicing aberration (Splicing prior probability 0.02).

Color Diagnostics, LLC DBA Color Health
Classification: Likely benign for Hereditary cancer-predisposing syndrome. Last evaluated: 2025-06-30. Review status: criteria provided, single submitter. Criteria: ACMG Guidelines, 2015. Collection method: clinical testing. Allele origin: germline. Not counted in ClinVar's aggregate classification.

Labcorp Genetics (formerly Invitae), Labcorp
Classification: Likely benign for Hereditary breast ovarian cancer syndrome. Last evaluated: 2024-01-24. Review status: criteria provided, single submitter. Criteria: Invitae Variant Classification Sherloc (09022015). Collection method: clinical testing. Allele origin: germline. Not counted in ClinVar's aggregate classification.

Ambry Genetics
Classification: Likely benign for Hereditary cancer-predisposing syndrome. Last evaluated: 2019-08-22. Review status: criteria provided, single submitter. Criteria: Ambry Variant Classification Scheme 2023. Collection method: clinical testing. Allele origin: germline. Not counted in ClinVar's aggregate classification.

Eurofins Ntd Llc (ga)
Classification: Uncertain significance. Last evaluated: 2014-09-05. Review status: criteria provided, single submitter. Criteria: EGL Classification Definitions 2015. Collection method: clinical testing. Allele origin: germline. Not counted in ClinVar's aggregate classification.

NM_007294.4(BRCA1):c.3858T>C (p.Ser1286=)

Genes: BRCA1 (BRCA1 DNA repair associated; minus strand), LOC126862571 (BRD4-independent group 4 enhancer GRCh37_chr17:41243136-41244335; plus strand). Cytogenetic location: 17q21.31.
Variant type: single nucleotide variant.
Coding change: c.3858T>C on transcript NM_007294.4 (MANE Select); coding-DNA position 3858, T replaced by C.
Protein change: p.Ser1286=; no amino-acid change (serine 1286 retained).
Molecular consequence: synonymous variant. On other transcripts: intron variant (135).
Genome position (GRCh38, 1-based): chr17:43,091,673, A>G on the plus strand (T>C on the coding strand, the complement: BRCA1 is on the minus strand). VCF-style: chr17-43091673-A-G. GRCh37 (hg19) VCF-style: chr17-41243690-A-G.
Other names: c.3645T>C, p.Ser1215= (NM_001407571.1, NM_001407853.1, NM_001407894.1 and 9 more transcripts); c.3858T>C, p.Ser1286= (NM_001407581.1, NM_001407582.1, NM_001407583.1 and 30 more transcripts); c.3855T>C, p.Ser1285= (NM_001407587.1, NM_001407590.1, NM_001407591.1 and 22 more transcripts); c.3849T>C, p.Ser1283= (NM_001407646.1, NM_001407647.1); c.3735T>C, p.Ser1245= (NM_001407648.1, NM_001407664.1, NM_001407665.1 and 19 more transcripts); c.3732T>C, p.Ser1244= (NM_001407649.1, NM_001407670.1, NM_001407671.1 and 11 more transcripts); c.3780T>C, p.Ser1260= (NM_001407653.1, NM_001407654.1, NM_001407655.1 and 4 more transcripts); c.3777T>C, p.Ser1259= (NM_001407659.1, NM_001407660.1, NM_001407661.1 and 1 more transcripts); and 41 more.
Identifiers: ClinVar variation 193696 (VCV000193696.23), dbSNP rs794726998, ClinGen allele CA002488.